The following is an entry in ClinVar:

ClinVar aggregate classification (germline): Uncertain significance. Review status: criteria provided, multiple submitters, no conflicts (2 of 4 stars). 2 submissions from 2 submitters: Uncertain significance (2). Last evaluated 2024-12-10.

Conditions:
Pancreatic adenocarcinoma. Identifiers: MedGen C0281361, MONDO:0006047, HP:0006725.

Allele frequency attached by ClinVar (database versions not stated): gnomAD exomes below 0.00001; ExAC 0.00001; gnomAD 0.00002.
gnomAD v4.1: 8 of 1,611,406 alleles (0.0005%); highest among the groups gnomAD compares: Non-Finnish European, 0.00059%; no homozygotes.

Submissions (2):

Ambry Genetics
Classification: Uncertain significance. Last evaluated: 2024-12-10. Review status: criteria provided, single submitter. Criteria: Ambry Variant Classification Scheme 2023. Collection method: clinical testing. Allele origin: germline.
Comment: The p.R502Q variant (also known as c.1505G>A), located in coding exon 8 of the PALLD gene, results from a G to A substitution at nucleotide position 1505. The arginine at codon 502 is replaced by glutamine, an amino acid with highly similar properties. This amino acid position is conserved. In addition, the in silico prediction for this alteration is inconclusive. Based on the available evidence, the clinical significance of this variant remains unclear.

Labcorp Genetics (formerly Invitae), Labcorp
Classification: Uncertain significance for Pancreatic adenocarcinoma. Last evaluated: 2023-01-24. Review status: criteria provided, single submitter. Criteria: Invitae Variant Classification Sherloc (09022015). Collection method: clinical testing. Allele origin: germline.
Comment: This sequence change replaces arginine, which is basic and polar, with glutamine, which is neutral and polar, at codon 502 of the PALLD protein (p.Arg502Gln). This variant is present in population databases (rs777057820, gnomAD 0.0009%). This variant has not been reported in the literature in individuals affected with PALLD-related conditions. Algorithms developed to predict the effect of missense changes on protein structure and function (SIFT, PolyPhen-2, Align-GVGD) all suggest that this variant is likely to be disruptive. In summary, the available evidence is currently insufficient to determine the role of this variant in disease. Therefore, it has been classified as a Variant of Uncertain Significance.

NM_001166108.2(PALLD):c.3017G>A (p.Arg1006Gln)

Genes: CBR4 (carbonyl reductase 4; minus strand), PALLD (palladin, cytoskeletal associated protein; plus strand). Cytogenetic location: 4q32.3.
Variant type: single nucleotide variant.
Coding change: c.3017G>A on transcript NM_001166108.2 (MANE Select); coding-DNA position 3017, G replaced by A.
Protein change: p.Arg1006Gln; replaces arginine 1006 with glutamine.
Molecular consequence: missense variant.
Genome position (GRCh38, 1-based): chr4:168,921,700, G>A. VCF-style: chr4-168921700-G-A. GRCh37 (hg19) VCF-style: chr4-169842851-G-A.
Other names: c.1505G>A (NM_001166110.1); c.1820G>A, p.Arg607Gln (NM_001166109.2); c.1505G>A, p.Arg502Gln (NM_001166110.2); c.845G>A, p.Arg282Gln (NM_001367567.1, NM_001367569.1); c.896G>A, p.Arg299Gln (NM_001367568.1, NM_001367570.1); c.2966G>A, p.Arg989Gln (NM_016081.4); short protein forms R1006Q, R607Q, R989Q, R282Q, R299Q, R502Q.
Identifiers: ClinVar variation 2919576 (VCV002919576.4), dbSNP rs777057820, ClinGen allele CA3136014.